The following is an entry in ClinVar:

NM_000135.4(FANCA):c.917C>G (p.Thr306Arg)

Gene: FANCA (FA complementation group A; minus strand). Cytogenetic location: 16q24.3.
Variant type: single nucleotide variant.
Coding change: c.917C>G on transcript NM_000135.4 (MANE Select); coding-DNA position 917, C replaced by G.
Protein change: p.Thr306Arg; replaces threonine 306 with arginine.
Molecular consequence: missense variant.
Genome position (GRCh38, 1-based): chr16:89,795,995, G>C on the plus strand (C>G on the coding strand, the complement: FANCA is on the minus strand). VCF-style: chr16-89795995-G-C. GRCh37 (hg19) VCF-style: chr16-89862403-G-C.
Other names: c.917C>G, p.Thr306Arg (NM_001286167.3); c.917C>G (NM_000135.2); short protein forms T306R.
Identifiers: ClinVar variation 1389764 (VCV001389764.6), dbSNP rs370852532, ClinGen allele CA286597082.

ClinVar aggregate classification (germline): Uncertain significance. Review status: criteria provided, multiple submitters, no conflicts (2 of 4 stars). 2 submissions from 2 submitters: Uncertain significance (2). Last evaluated 2025-02-16.

Conditions:
Inborn genetic diseases. Identifiers: MedGen C0950123, MeSH D030342.
Fanconi anemia (FA). Also called: Fanconi's anemia. Identifiers: Orphanet 84, MedGen C0015625, MeSH D005199, MONDO:0019391.

Submissions (2):

Ambry Genetics
Classification: Uncertain significance for Inborn genetic diseases. Last evaluated: 2025-02-16. Review status: criteria provided, single submitter. Criteria: Ambry Variant Classification Scheme 2023. Collection method: clinical testing. Allele origin: germline.
Comment: The p.T306R variant (also known as c.917C>G), located in coding exon 11 of the FANCA gene, results from a C to G substitution at nucleotide position 917. The threonine at codon 306 is replaced by arginine, an amino acid with similar properties. This amino acid position is conserved. In addition, this alteration is predicted to be tolerated by in silico analysis. Based on the available evidence, the clinical significance of this variant remains unclear.

Labcorp Genetics (formerly Invitae), Labcorp
Classification: Uncertain significance for Fanconi anemia. Last evaluated: 2021-08-31. Review status: criteria provided, single submitter. Criteria: Invitae Variant Classification Sherloc (09022015). Collection method: clinical testing. Allele origin: germline.
Comment: This sequence change replaces threonine with arginine at codon 306 of the FANCA protein (p.Thr306Arg). The threonine residue is weakly conserved and there is a moderate physicochemical difference between threonine and arginine. This variant is not present in population databases (ExAC no frequency). This variant has not been reported in the literature in individuals affected with FANCA-related conditions. Advanced modeling of protein sequence and biophysical properties (such as structural, functional, and spatial information, amino acid conservation, physicochemical variation, residue mobility, and thermodynamic stability) performed at Invitae indicates that this missense variant is not expected to disrupt FANCA protein function. In summary, the available evidence is currently insufficient to determine the role of this variant in disease. Therefore, it has been classified as a Variant of Uncertain Significance.